The following is an entry in ClinVar:

ClinVar aggregate classification (germline): Uncertain significance (1 of 4 stars; one submission).

Conditions:
Glycine encephalopathy. Also called: Non-ketotic hyperglycinemia; Nonketotic hyperglycinemia. Identifiers: Orphanet 407, MedGen C0751748, MONDO:0011612, HP:0008288.

Submission:

Labcorp Genetics (formerly Invitae), Labcorp
Classification: Uncertain significance for Non-ketotic hyperglycinemia. Last evaluated: 2018-11-06. Review status: criteria provided, single submitter. Criteria: Invitae Variant Classification Sherloc (09022015). Collection method: clinical testing. Allele origin: germline.
Comment: This sequence change replaces glycine with glutamic acid at codon 124 of the AMT protein (p.Gly124Glu). The glycine residue is highly conserved and there is a moderate physicochemical difference between glycine and glutamic acid. This variant is not present in population databases (ExAC no frequency). This variant has not been reported in the literature in individuals with AMT-related disease. Algorithms developed to predict the effect of missense changes on protein structure and function (SIFT, PolyPhen-2, Align-GVGD) all suggest that this variant is likely to be disruptive, but these predictions have not been confirmed by published functional studies and their clinical significance is uncertain. In summary, the available evidence is currently insufficient to determine the role of this variant in disease. Therefore, it has been classified as a Variant of Uncertain Significance.

NM_000481.4(AMT):c.371G>A (p.Gly124Glu)

Gene: AMT (aminomethyltransferase; minus strand). Cytogenetic location: 3p21.31.
Variant type: single nucleotide variant.
Coding change: c.371G>A on transcript NM_000481.4 (MANE Select); coding-DNA position 371, G replaced by A.
Protein change: p.Gly124Glu; replaces glycine 124 with glutamic acid.
Molecular consequence: missense variant. On other transcripts: non-coding transcript variant (1), intron variant (1).
Genome position (GRCh38, 1-based): chr3:49,420,311, C>T on the plus strand (G>A on the coding strand, the complement: AMT is on the minus strand). VCF-style: chr3-49420311-C-T. GRCh37 (hg19) VCF-style: chr3-49457744-C-T.
Other names: c.203G>A, p.Gly68Glu (NM_001164711.2); c.371G>A, p.Gly124Glu (NM_001164712.2); c.340-523G>A (NM_001164710.2); short protein forms G124E, G68E.
Identifiers: ClinVar variation 644213 (VCV000644213.1), dbSNP rs1575306496, ClinGen allele CA352790745.